The following is an entry in ClinVar:

ClinVar aggregate classification (germline): Uncertain significance (1 of 4 stars; one submission).

Submission:

Women's Health and Genetics/Laboratory Corporation of America, LabCorp
Classification: Uncertain significance. Last evaluated: 2024-11-21. Review status: criteria provided, single submitter. Criteria: LabCorp Variant Classification Summary - May 2015. Collection method: clinical testing. Allele origin: germline.
Comment: Variant summary: SULT2B1 c.827-2A>T is located in a canonical splice-site and is predicted to affect mRNA splicing resulting in a significantly altered protein due to either exon skipping, shortening, or inclusion of intronic material. Variants that disrupt the consensus splice site are a relatively common cause of aberrant splicing, however current evidence is not sufficient to establish loss of function as a mechanism for disease. Several computational tools predict a significant impact on normal splicing: Four predict the variant abolishes a 3' acceptor site. However, these predictions have yet to be confirmed by functional studies. The variant was absent in 191074 control chromosomes. The available data on variant occurrences in the general population are insufficient to allow any conclusion about variant significance. To our knowledge, no occurrence of c.827-2A>T in individuals affected with Autosomal Recessive Congenital Ichthyosis and no experimental evidence demonstrating its impact on protein function have been reported. No submitters have cited clinical-significance assessments for this variant to ClinVar. Based on the evidence outlined above, the variant was classified as uncertain significance.

NM_177973.2(SULT2B1):c.827-2A>T

Gene: SULT2B1 (sulfotransferase family 2B member 1; plus strand). Cytogenetic location: 19q13.33.
Variant type: single nucleotide variant.
Coding change: c.827-2A>T on transcript NM_177973.2 (MANE Select); the canonical splice acceptor site of the intron before coding-DNA position 827, A replaced by T.
Molecular consequence: splice acceptor variant.
Genome position (GRCh38, 1-based): chr19:48,599,133, A>T. VCF-style: chr19-48599133-A-T. GRCh37 (hg19) VCF-style: chr19-49102390-A-T.
Other names: c.782-2A>T (NM_004605.2).
Identifiers: ClinVar variation 3629944 (VCV003629944.1).